The following is an entry in ClinVar:

NM_014915.3(ANKRD26):c.1781A>G (p.Gln594Arg)

Gene: ANKRD26 (ankyrin repeat domain 26; minus strand). Cytogenetic location: 10p12.1.
Variant type: single nucleotide variant.
Coding change: c.1781A>G on transcript NM_014915.3 (MANE Select); coding-DNA position 1781, A replaced by G.
Protein change: p.Gln594Arg; replaces glutamine 594 with arginine.
Molecular consequence: missense variant.
Genome position (GRCh38, 1-based): chr10:27,048,834, T>C on the plus strand (A>G on the coding strand, the complement: ANKRD26 is on the minus strand). VCF-style: chr10-27048834-T-C. GRCh37 (hg19) VCF-style: chr10-27337763-T-C.
Other names: c.1781A>G, p.Gln594Arg (NM_001256053.2); short protein forms Q594R.
Identifiers: ClinVar variation 3914928 (VCV003914928.2).

ClinVar aggregate classification (germline): Uncertain significance. Review status: criteria provided, multiple submitters, no conflicts (2 of 4 stars). 2 submissions from 2 submitters: Uncertain significance (2). Last evaluated 2025-11-04.

Conditions:
Inborn genetic diseases. Identifiers: MedGen C0950123, MeSH D030342.

gnomAD v4.1: 2 of 1,613,314 alleles (0.00012%); highest among the groups gnomAD compares: Admixed American, 0.0033%; no homozygotes.

Submissions (2):

Labcorp Genetics (formerly Invitae), Labcorp
Classification: Uncertain significance. Last evaluated: 2025-11-04. Review status: criteria provided, single submitter. Criteria: Invitae Variant Classification Sherloc (09022015). Collection method: clinical testing. Allele origin: germline.
Comment: This sequence change replaces glutamine, which is neutral and polar, with arginine, which is basic and polar, at codon 594 of the ANKRD26 protein (p.Gln594Arg). This variant is present in population databases (rs747031290, gnomAD 0.003%). This variant has not been reported in the literature in individuals affected with ANKRD26-related conditions. ClinVar contains an entry for this variant (Variation ID: 3914928). An algorithm developed to predict the effect of missense changes on protein structure and function outputs the following: PolyPhen-2: "Benign". The arginine amino acid residue is found in multiple mammalian species, which suggests that this missense change does not adversely affect protein function. In summary, the available evidence is currently insufficient to determine the role of this variant in disease. Therefore, it has been classified as a Variant of Uncertain Significance.

Ambry Genetics
Classification: Uncertain significance for Inborn genetic diseases. Last evaluated: 2025-05-31. Review status: criteria provided, single submitter. Criteria: Ambry Variant Classification Scheme 2023. Collection method: clinical testing. Allele origin: germline.
Comment: The p.Q594R variant (also known as c.1781A>G), located in coding exon 17 of the ANKRD26 gene, results from an A to G substitution at nucleotide position 1781. The glutamine at codon 594 is replaced by arginine, an amino acid with highly similar properties. This amino acid position is conserved. In addition, this alteration is predicted to be tolerated by in silico analysis. Based on the available evidence, the clinical significance of this variant remains unclear.